The following is an entry in ClinVar:

NM_000219.6(KCNE1):c.366T>C (p.Leu122=)

Gene: KCNE1 (potassium voltage-gated channel subfamily E regulatory subunit 1; minus strand). Cytogenetic location: 21q22.12.
Variant type: single nucleotide variant.
Coding change: c.366T>C on transcript NM_000219.6 (MANE Select); coding-DNA position 366, T replaced by C.
Protein change: p.Leu122=; no amino-acid change (leucine 122 retained).
Molecular consequence: synonymous variant.
Genome position (GRCh38, 1-based): chr21:34,449,269, A>G on the plus strand (T>C on the coding strand, the complement: KCNE1 is on the minus strand). VCF-style: chr21-34449269-A-G. GRCh37 (hg19) VCF-style: chr21-35821567-A-G.
Other names: c.366T>C, p.Leu122= (NM_001127668.4, NM_001127669.4, NM_001127670.4 and 4 more transcripts).
Identifiers: ClinVar variation 3373830 (VCV003373830.2).

Conditions:
Long QT syndrome 5 (LQT5). Identifiers: Orphanet 101016, Orphanet 768, MedGen C1867904, MONDO:0013372, OMIM 613695.

Submission:

Roden Lab, Vanderbilt University Medical Center
No classification provided (evidence only). Condition: Long QT syndrome 5. Review status: no classification provided. Collection method: in vitro. Allele origin: not applicable. Functional consequence: Effect on ion channel function.
ClinVar note: "not provided" was previously submitted as the classification for the variant. However, the classification appeared to be based only on an observation of functional data so it was converted to no classification on 2025-07-30.